The following is an entry in ClinVar:

NM_000038.6(APC):c.1251T>A (p.Cys417Ter)

Gene: APC (APC regulator of Wnt signaling pathway; plus strand). Cytogenetic location: 5q22.2.
Variant type: single nucleotide variant.
Coding change: c.1251T>A on transcript NM_000038.6 (MANE Select); coding-DNA position 1251, T replaced by A.
Protein change: p.Cys417Ter; replaces cysteine 417 with a stop codon.
Molecular consequence: nonsense.
Genome position (GRCh38, 1-based): chr5:112,819,283, T>A. VCF-style: chr5-112819283-T-A. GRCh37 (hg19) VCF-style: chr5-112154980-T-A.
Other names: c.1251T>A, p.Cys417Ter (NM_001127510.3, NM_001354895.2, NM_001354896.2); c.1197T>A, p.Cys399Ter (NM_001127511.3); c.1281T>A, p.Cys427Ter (NM_001354897.2); c.1176T>A, p.Cys392Ter (NM_001354898.2); c.1167T>A, p.Cys389Ter (NM_001354899.2); c.1074T>A, p.Cys358Ter (NM_001354900.2, NM_001354901.2); c.978T>A, p.Cys326Ter (NM_001354902.2); c.948T>A, p.Cys316Ter (NM_001354903.2); and 3 more; short protein forms C399*, C417*, C134*, C316*, C389*, C392*, C427*, C257*.
Identifiers: ClinVar variation 428172 (VCV000428172.6), dbSNP rs1114167607, ClinGen allele CA16024038.
Genomic context (GRCh38, chr5:112,819,283, plus strand): 5'-CAAGAGAGGCAGGCGTGAAATCCGAGTCCTTCATCTTTTGGAACAGATACGCGCTTACTG[T>A]GAAACCTGTTGGGAGTGGCAGGAAGCTCATGAACCAGGCATGGACCAGGACAAAAATCCA-3'

ClinVar aggregate classification (germline): Pathogenic (1 of 4 stars; one submission).

Conditions:
Hereditary cancer-predisposing syndrome. Also called: Hereditary Cancer Syndrome; Neoplastic Syndromes, Hereditary; Hereditary neoplastic syndrome; Tumor predisposition. Identifiers: Orphanet 140162, MedGen C0027672, MeSH D009386, MONDO:0015356.

Submission:

Ambry Genetics
Classification: Pathogenic for Hereditary cancer-predisposing syndrome. Last evaluated: 2023-06-28. Review status: criteria provided, single submitter. Criteria: Ambry Variant Classification Scheme 2023. Collection method: clinical testing. Allele origin: germline.
Comment: The p.C417* pathogenic mutation (also known as c.1251T>A), located in coding exon 9 of the APC gene, results from a T to A substitution at nucleotide position 1251. This changes the amino acid from a cysteine to a stop codon within coding exon 9. This alteration is expected to result in loss of function by premature protein truncation or nonsense-mediated mRNA decay. As such, this alteration is interpreted as a disease-causing mutation.